The following is an entry in ClinVar:

ClinVar aggregate classification (germline): Uncertain significance (1 of 4 stars; one submission).

Conditions:
Hereditary cancer-predisposing syndrome. Also called: Tumor predisposition; Hereditary Cancer Syndrome; Hereditary neoplastic syndrome; Neoplastic Syndromes, Hereditary. Identifiers: Orphanet 140162, MedGen C0027672, MeSH D009386, MONDO:0015356.

Submission:

Ambry Genetics
Classification: Uncertain significance for Hereditary cancer-predisposing syndrome. Last evaluated: 2025-10-21. Review status: criteria provided, single submitter. Criteria: Ambry Variant Classification Scheme 2023. Collection method: clinical testing. Allele origin: germline.
Comment: The p.Q102H variant (also known as c.306A>C), located in coding exon 3 of the XRCC2 gene, results from an A to C substitution at nucleotide position 306. The glutamine at codon 102 is replaced by histidine, an amino acid with highly similar properties. This amino acid position is conserved. In addition, this alteration is predicted to be tolerated by in silico analysis. Based on the available evidence, the clinical significance of this variant remains unclear.

NM_005431.2(XRCC2):c.306A>C (p.Gln102His)

Gene: XRCC2 (X-ray repair cross complementing 2; minus strand). Cytogenetic location: 7q36.1.
Variant type: single nucleotide variant.
Coding change: c.306A>C on transcript NM_005431.2 (MANE Select); coding-DNA position 306, A replaced by C.
Protein change: p.Gln102His; replaces glutamine 102 with histidine.
Molecular consequence: missense variant.
Genome position (GRCh38, 1-based): chr7:152,649,179, T>G on the plus strand (A>C on the coding strand, the complement: XRCC2 is on the minus strand). VCF-style: chr7-152649179-T-G. GRCh37 (hg19) VCF-style: chr7-152346264-T-G.
Other names: short protein forms Q102H.
Identifiers: ClinVar variation 4558517 (VCV004558517.1).